The following is an entry in ClinVar:

NM_000059.4(BRCA2):c.7627dup (p.Tyr2543fs)

Gene: BRCA2 (BRCA2 DNA repair associated; plus strand). Cytogenetic location: 13q13.1.
Variant type: Duplication.
Coding change: c.7627dup on transcript NM_000059.4 (MANE Select); coding-DNA position 7627, one base duplicated (T; older notation c.7627dupT).
Protein change: p.Tyr2543fs; shifts the reading frame from tyrosine 2543.
Molecular consequence: frameshift variant.
Genome position (GRCh38, 1-based): chr13:32,357,751, T duplicated. VCF-style (leftmost placement, unchanged base first): chr13-32357750-G-GT. GRCh37 (hg19) VCF-style: chr13-32931887-G-GT.
Other names: 7855insT; c.7627dupT (NM_000059.3); short protein forms Y2543fs.
Identifiers: ClinVar variation 126153 (VCV000126153.4), dbSNP rs80359668, ClinGen allele CA025198.
Genomic context (GRCh38, chr13:32,357,750, plus strand): 5'-ACATGTTTACTTTAAATTGTTTTTCTTTTTTGTGTGTGTTTATTTTGTGTAGCTGTATAC[G>GT]TATGGCGTTTCTAAACATTGCATAAAAATTAACAGCAAAAATGCAGAGTCTTTTCAGTTT-3'

ClinVar aggregate classification (germline): Pathogenic. Review status: reviewed by expert panel (3 of 4 stars). 4 submissions from 4 submitters: Pathogenic (1). 3 of the submissions do not count toward it. Last evaluated 2016-09-08.

Conditions:
Hereditary cancer-predisposing syndrome. Also called: Tumor predisposition; Hereditary Cancer Syndrome; Neoplastic Syndromes, Hereditary; Hereditary neoplastic syndrome. Identifiers: Orphanet 140162, MedGen C0027672, MeSH D009386, MONDO:0015356.
Breast-ovarian cancer, familial, susceptibility to, 2 (BROVCA2). Also called: BRCA2 Hereditary Breast and Ovarian Cancer. Identifiers: Orphanet 145, MedGen C2675520, MONDO:0012933, OMIM 612555. Disease mechanism: loss of function.

Submissions (4):

Evidence-based Network for the Interpretation of Germline Mutant Alleles (ENIGMA)
Classification: Pathogenic for Breast-ovarian cancer, familial, susceptibility to, 2. Last evaluated: 2016-09-08. Review status: reviewed by expert panel. Criteria: ENIGMA BRCA1/2 Classification Criteria (2015). Collection method: curation. Allele origin: germline.
Comment: Variant allele predicted to encode a truncated non-functional protein.

Ambry Genetics
Classification: Pathogenic for Hereditary cancer-predisposing syndrome. Last evaluated: 2024-01-22. Review status: criteria provided, single submitter. Criteria: Ambry Variant Classification Scheme 2023. Collection method: clinical testing. Allele origin: germline. Not counted in ClinVar's aggregate classification.
Comment: The c.7627dupT pathogenic mutation, located in coding exon 15 of the BRCA2 gene, results from a duplication of T at nucleotide position 7627, causing a translational frameshift with a predicted alternate stop codon (p.Y2543Lfs*5). This variant is considered to be rare based on population cohorts in the Genome Aggregation Database (gnomAD). This alteration is expected to result in loss of function by premature protein truncation or nonsense-mediated mRNA decay. As such, this alteration is interpreted as a disease-causing mutation.

Consortium of Investigators of Modifiers of BRCA1/2 (CIMBA), c/o University of Cambridge
Classification: Pathogenic for Breast-ovarian cancer, familial, susceptibility to, 2. Last evaluated: 2015-10-02. Review status: criteria provided, single submitter. Criteria: CIMBA Mutation Classification guidelines May 2016. Collection method: clinical testing. Allele origin: germline. Not counted in ClinVar's aggregate classification.

Breast Cancer Information Core (BIC) (BRCA2)
Classification: Pathogenic for Breast-ovarian cancer, familial 2. Last evaluated: 2002-05-29. Review status: no assertion criteria provided. Collection method: clinical testing. Allele origin: germline. Affected: yes. Observed: 2 variant alleles. Not counted in ClinVar's aggregate classification.